The following is an entry in ClinVar:

NM_182641.4(BPTF):c.3179T>C (p.Leu1060Pro)

Gene: BPTF (bromodomain PHD finger transcription factor; plus strand). Cytogenetic location: 17q24.2.
Variant type: single nucleotide variant.
Coding change: c.3179T>C on transcript NM_182641.4 (MANE Select); coding-DNA position 3179, T replaced by C.
Protein change: p.Leu1060Pro; replaces leucine 1060 with proline.
Molecular consequence: missense variant.
Genome position (GRCh38, 1-based): chr17:67,911,063, T>C. VCF-style: chr17-67911063-T-C. GRCh37 (hg19) VCF-style: chr17-65907179-T-C.
Other names: c.3557T>C, p.Leu1186Pro (NM_004459.7); c.3179T>C (NM_182641.3); short protein forms L1060P, L1186P.
Identifiers: ClinVar variation 3365247 (VCV003365247.2).
Genomic context (GRCh38, chr17:67,911,063, plus strand): 5'-ATGTTAGTGAGGGTTTTCATCTAAGGACTAGTTACAAAAAGAAAACAAAATCATCCAAAC[T>C]AGATGGACTTCTTGAAAGGAGAATTAAACAGTTTACACTGGAAGAAAAACAGCGACTCGA-3'
Protein context (NP_872579.2, residues 1050-1070): SYKKKTKSSK[Leu1060Pro]DGLLERRIKQ

ClinVar aggregate classification (germline): Uncertain significance. Review status: criteria provided, multiple submitters, no conflicts (2 of 4 stars). 2 submissions from 2 submitters: Uncertain significance (2). Last evaluated 2024-10-25.

Conditions:
Inborn genetic diseases. Identifiers: MedGen C0950123, MeSH D030342.

Submissions (2):

Ambry Genetics
Classification: Uncertain significance for Inborn genetic diseases. Last evaluated: 2024-10-25. Review status: criteria provided, single submitter. Criteria: Ambry Variant Classification Scheme 2023. Collection method: clinical testing. Allele origin: germline.
Comment: The c.3179T>C (p.L1060P) alteration is located in exon 11 (coding exon 11) of the BPTF gene. This alteration results from a T to C substitution at nucleotide position 3179, causing the leucine (L) at amino acid position 1060 to be replaced by a proline (P). This variant was not reported in population-based cohorts in the Genome Aggregation Database (gnomAD). This amino acid position is highly conserved in available vertebrate species. This alteration is predicted to be deleterious by in silico analysis. Based on insufficient or conflicting evidence, the clinical significance of this alteration remains unclear.

GeneDx
Classification: Uncertain significance. Last evaluated: 2023-12-08. Review status: criteria provided, single submitter. Criteria: GeneDx Variant Classification Process June 2021. Collection method: clinical testing. Allele origin: germline. Affected: yes.
Comment: Not observed at significant frequency in large population cohorts (gnomAD); In silico analysis supports that this missense variant has a deleterious effect on protein structure/function; Has not been previously published as pathogenic or benign to our knowledge